The following is an entry in ClinVar:

ClinVar aggregate classification (germline): Uncertain significance (1 of 4 stars; one submission).

Conditions:
Aicardi-Goutieres syndrome 7 (AGS7). Identifiers: Orphanet 51, MedGen C3888244, MONDO:0014367, OMIM 615846.
Singleton-Merten syndrome 1 (SGMRT1). Also called: Widened medullary cavities of bone, aortic calcification, abnormal dentition, and muscular weakness; Syndrome of widened medullary cavities of the metacarpals and phalanges, aortic calcification and abnormal dentition. Identifiers: Orphanet 85191, MedGen C4225427, MONDO:0024535, OMIM 182250.

Allele frequency attached by ClinVar (database versions not stated): gnomAD 0.00001; gnomAD exomes 0.00002; ExAC 0.00004.
gnomAD v4.1: 27 of 1,592,606 alleles (0.0017%); highest among the groups gnomAD compares: South Asian, 0.03%; no homozygotes.

Submission:

Labcorp Genetics (formerly Invitae), Labcorp
Classification: Uncertain significance for Aicardi-Goutieres syndrome 7; Singleton-Merten syndrome 1. Last evaluated: 2023-10-17. Review status: criteria provided, single submitter. Criteria: Invitae Variant Classification Sherloc (09022015). Collection method: clinical testing. Allele origin: germline.
Comment: This sequence change falls in intron 10 of the IFIH1 gene. It does not directly change the encoded amino acid sequence of the IFIH1 protein. This variant is present in population databases (rs753016883, gnomAD 0.02%). This variant has not been reported in the literature in individuals affected with IFIH1-related conditions. Algorithms developed to predict the effect of sequence changes on RNA splicing suggest that this variant may create or strengthen a splice site. In summary, the available evidence is currently insufficient to determine the role of this variant in disease. Therefore, it has been classified as a Variant of Uncertain Significance.

NM_022168.4(IFIH1):c.2044+12A>G

Gene: IFIH1 (interferon induced with helicase C domain 1; minus strand). Cytogenetic location: 2q24.2.
Variant type: single nucleotide variant.
Coding change: c.2044+12A>G on transcript NM_022168.4 (MANE Select); 12 bases into the intron after coding-DNA position 2044, A replaced by G.
Molecular consequence: intron variant.
Genome position (GRCh38, 1-based): chr2:162,277,403, T>C on the plus strand (A>G on the coding strand, the complement: IFIH1 is on the minus strand). VCF-style: chr2-162277403-T-C. GRCh37 (hg19) VCF-style: chr2-163133913-T-C.
Identifiers: ClinVar variation 2926594 (VCV002926594.3), dbSNP rs753016883, ClinGen allele CA1934319.